The following is an entry in ClinVar:

ClinVar aggregate classification (germline): Uncertain significance. Review status: criteria provided, multiple submitters, no conflicts (2 of 4 stars). 3 submissions from 3 submitters: Uncertain significance (3). Last evaluated 2026-01-17.

Conditions:
Developmental and epileptic encephalopathy, 13 (DEE13). Also called: SCN8A-Related Epilepsy; Early infantile epileptic encephalopathy 13; Developmental and Epileptic Encephalopathy (SCN8A-DEE). Identifiers: Orphanet 442835, MedGen C3281191, MONDO:0013801, OMIM 614558.
SCN8A-related disorder.

Submissions (3):

GeneDx
Classification: Uncertain significance. Last evaluated: 2026-01-17. Review status: criteria provided, single submitter. Criteria: GeneDx Variant Classification Process June 2021. Collection method: clinical testing. Allele origin: germline. Affected: yes.
Comment: Identified in an individual with epileptic encephalopathy in the published literature who inherited the variant from a parent; however, clinical information about the parent was not provided (PMID: 29186148); Published functional studies suggest this variant alters the inactivation time constant as well as the gating current immobilization of the sodium channel, however additional studies are needed to validate the functional effect of this variant in vivo (PMID: 10435996); In silico analysis supports that this missense variant has a deleterious effect on protein structure/function; This substitution is predicted to be within the intracellular loop between the S4 and S5 transmembrane segments of the fourth homologous domain; Not observed at significant frequency in large population cohorts (gnomAD); This variant is associated with the following publications: (PMID: 11118488, 11567038, 29466837, 10435996, 35918039, 29186148)

PreventionGenetics, part of Exact Sciences
Classification: Uncertain significance for SCN8A-related condition. Last evaluated: 2025-10-17. Review status: criteria provided, single submitter. Criteria: ACMG Guidelines, 2015. Collection method: clinical testing. Allele origin: germline.
Comment: The SCN8A c.4913G>A variant is predicted to result in the amino acid substitution p.Arg1638His. This variant was reported in an individual with epileptic encephalopathy (Zhu et al. 2017. PubMed ID: 29186148). This variant has not been reported in a large population database (gnomAD), indicating this variant is rare. Another variant affecting this residue, (p.Arg1638Cys), has been reported in compound heterozygous state with (p.Gly822Arg) in an individual with epileptic encephalopathy who inherited the variant from parents with mild cognitive impairment/borderline intellectual functioning but neuropsychological evaluations were not available (Johannesen et al. 2020. PubMed ID: 32427350; Wengert et al. 2019. PubMed ID: 31625145). Although we suspect that this variant may be pathogenic, at this time, the clinical significance of this variant is uncertain due to the absence of conclusive functional and genetic evidence.

Clinical Genomics Laboratory, Washington University in St. Louis
Classification: Uncertain significance for Developmental and epileptic encephalopathy, 13. Last evaluated: 2023-12-17. Review status: criteria provided, single submitter. Criteria: ACMG Guidelines, 2015. Collection method: clinical testing. Allele origin: germline.
Comment: The SCN8A c.4913G>A (p.Arg1638His) variant, to our knowledge, has not been reported in the medical literature but has been reported in the ClinVar database as a germline variant of uncertain significance by one submitter. This variant is absent from the general population (gnomAD v.2.1.1), indicating it is not a common variant. This variant occurs in a predicted alpha helix in a transmembrane domain (Talwar D and Hammer MF. PMID: 34353676) and computational predictors indicate that the variant is damaging, evidence that correlates with impact to SCN8A function. Additionally, another variant in the analogous amino acid in the highly related sodium channel gene SCN1A, c.4970G>A (p.Arg1657His), has been detected in an affected individual and is considered pathogenic (ClinVar Variation ID: 68559). However, due to limited information, and based on ACMG/AMP guidelines for variant interpretation (Richards S et al., PMID: 25741868), the clinical significance of this variant is uncertain at this time.

NM_001330260.2(SCN8A):c.4913G>A (p.Arg1638His)

Gene: SCN8A (sodium voltage-gated channel alpha subunit 8; plus strand). Cytogenetic location: 12q13.13.
Variant type: single nucleotide variant.
Coding change: c.4913G>A on transcript NM_001330260.2 (MANE Select); coding-DNA position 4913, G replaced by A.
Protein change: p.Arg1638His; replaces arginine 1638 with histidine.
Molecular consequence: missense variant.
Genome position (GRCh38, 1-based): chr12:51,806,399, G>A. VCF-style: chr12-51806399-G-A. GRCh37 (hg19) VCF-style: chr12-52200183-G-A.
Other names: c.4790G>A, p.Arg1597His (NM_001177984.3, NM_001369788.1); c.4913G>A, p.Arg1638His (NM_014191.4); short protein forms R1638H, R1597H.
Identifiers: ClinVar variation 421047 (VCV000421047.6), dbSNP rs1064794873, ClinGen allele CA16619564.
Genomic context (GRCh38, chr12:51,806,399, plus strand): 5'-TCATCCGATTGGCCCGTATTGGGCGCATCTTGCGTCTGATCAAAGGCGCCAAAGGGATTC[G>A]TACCCTGCTCTTTGCCTTAATGATGTCCTTGCCTGCCCTGTTCAACATCGGCCTTCTGCT-3'
Protein context (NP_001317189.1, residues 1628-1648): LRLIKGAKGI[Arg1638His]TLLFALMMSL